The following is an entry in ClinVar:

NM_004329.3(BMPR1A):c.405A>G (p.Gln135=)

Gene: BMPR1A (bone morphogenetic protein receptor type 1A; plus strand). Cytogenetic location: 10q23.2.
Variant type: single nucleotide variant.
Coding change: c.405A>G on transcript NM_004329.3 (MANE Select); coding-DNA position 405, A replaced by G.
Protein change: p.Gln135=; no amino-acid change (glutamine 135 retained).
Molecular consequence: synonymous variant.
Genome position (GRCh38, 1-based): chr10:86,899,865, A>G. VCF-style: chr10-86899865-A-G. GRCh37 (hg19) VCF-style: chr10-88659622-A-G.
Identifiers: ClinVar variation 759932 (VCV000759932.15), dbSNP rs1589768073, ClinGen allele CA470306621.

ClinVar aggregate classification (germline): Benign/Likely benign. Review status: criteria provided, multiple submitters, no conflicts (2 of 4 stars). 4 submissions from 4 submitters: Benign (1); Likely benign (3). Last evaluated 2025-11-19.

Conditions:
Hereditary cancer-predisposing syndrome. Also called: Tumor predisposition; Hereditary Cancer Syndrome; Neoplastic Syndromes, Hereditary; Hereditary neoplastic syndrome. Identifiers: Orphanet 140162, MedGen C0027672, MeSH D009386, MONDO:0015356.
Juvenile polyposis syndrome (JPS). Identifiers: Orphanet 2929, MedGen C0345893, MONDO:0017380, OMIM 174900.

Allele frequency attached by ClinVar (database versions not stated): gnomAD exomes below 0.00001.
gnomAD v4.1: 1 of 1,614,220 alleles (0.000062%); highest among the groups gnomAD compares: Non-Finnish European, 0.000085%; no homozygotes.

Submissions (4):

Labcorp Genetics (formerly Invitae), Labcorp
Classification: Likely benign for Juvenile polyposis syndrome. Last evaluated: 2025-11-19. Review status: criteria provided, single submitter. Criteria: Invitae Variant Classification Sherloc (09022015). Collection method: clinical testing. Allele origin: germline.

Myriad Genetics, Inc.
Classification: Benign for Juvenile polyposis syndrome. Last evaluated: 2024-08-01. Review status: criteria provided, single submitter. Criteria: Myriad Autosomal Dominant, Autosomal Recessive and X-Linked Classification Criteria (2023). Collection method: clinical testing. Allele origin: unknown.
Comment: This variant is considered benign. This variant is a silent/synonymous amino acid change and it is not expected to impact splicing.

Color Diagnostics, LLC DBA Color Health
Classification: Likely benign for Hereditary cancer-predisposing syndrome. Last evaluated: 2021-12-05. Review status: criteria provided, single submitter. Criteria: ACMG Guidelines, 2015. Collection method: clinical testing. Allele origin: germline.

Ambry Genetics
Classification: Likely benign for Hereditary cancer-predisposing syndrome. Last evaluated: 2019-05-07. Review status: criteria provided, single submitter. Criteria: Ambry Variant Classification Scheme 2023. Collection method: clinical testing. Allele origin: germline.